The following is an entry in ClinVar:

ClinVar aggregate classification (germline): Likely benign (1 of 4 stars; one submission).

Allele frequency attached by ClinVar (database versions not stated): gnomAD exomes below 0.00001; TOPMed below 0.00001; ExAC 0.00001; gnomAD 0.00001; 1000 Genomes Project 30x 0.00016; 1000 Genomes Project 0.00020.
gnomAD v4.1: 7 of 1,614,230 alleles (0.00043%); highest among the groups gnomAD compares: Middle Eastern, 0.033%; no homozygotes.

Submission:

CeGaT Center for Human Genetics Tuebingen
Classification: Likely benign. Last evaluated: 2026-07-01. Review status: criteria provided, single submitter. Criteria: CeGaT Center For Human Genetics Tuebingen Variant Classification Criteria Version 2. Collection method: clinical testing. Allele origin: germline. Affected: yes. Observed: 2 variant alleles.
Comment: PLAGL1: BP4, BP7

NM_001317162.2(PLAGL1):c.1023A>T (p.Ser341=)

Gene: PLAGL1 (PLAG1 like zinc finger 1; minus strand). Cytogenetic location: 6q24.2.
Variant type: single nucleotide variant.
Coding change: c.1023A>T on transcript NM_001317162.2 (MANE Select); coding-DNA position 1023, A replaced by T.
Protein change: p.Ser341=; no amino-acid change (serine 341 retained).
Molecular consequence: synonymous variant.
Genome position (GRCh38, 1-based): chr6:143,941,793, T>A on the plus strand (A>T on the coding strand, the complement: PLAGL1 is on the minus strand). VCF-style: chr6-143941793-T-A. GRCh37 (hg19) VCF-style: chr6-144262930-T-A.
Other names: c.1023A>T, p.Ser341= (NM_001080951.3, NM_001080952.3, NM_001080953.3 and 14 more transcripts); c.867A>T, p.Ser289= (NM_001080955.3, NM_001080956.3, NM_001289037.2 and 6 more transcripts).
Identifiers: ClinVar variation 2656963 (VCV002656963.24), dbSNP rs138688804, ClinGen allele CA4031335.
Genomic context (GRCh38, chr6:143,941,793, plus strand): 5'-CAGGTTTACTTTACCAGCATTTCCCTTAGCCAGATCAAAACCTGGGTTGAGCTTTTGAGG[T>A]GACTGAGGCTCTTGCAGAGGCAAGTCCTCAAACAAACTGATATTGCAAAAACCTTTAGTA-3'
Protein context (NP_001304091.1, residues 331-351): FEDLPLQEPQ[Ser341=]PQKLNPGFDL